The following is an entry in ClinVar:

ClinVar aggregate classification (germline): Conflicting classifications of pathogenicity. Review status: criteria provided, conflicting classifications (1 of 4 stars). 2 submissions from 2 submitters: Uncertain significance (1); Likely benign (1). Last evaluated 2023-07-10.

Conditions:
Hereditary breast ovarian cancer syndrome. Also called: Hereditary breast and ovarian cancer syndrome; Hereditary breast and ovarian cancer syndrome (HBOC); BRCA1- and BRCA2-Associated Hereditary Breast and Ovarian Cancer; Hereditary breast and/or ovarian cancer syndrome; Hereditary breast and ovarian cancer; Breast and ovarian cancer. Identifiers: Orphanet 145, MedGen C0677776, MeSH D061325, MONDO:0003582. Disease mechanism: loss of function.
Hereditary cancer-predisposing syndrome. Also called: Neoplastic Syndromes, Hereditary; Tumor predisposition; Hereditary neoplastic syndrome; Hereditary Cancer Syndrome. Identifiers: Orphanet 140162, MedGen C0027672, MeSH D009386, MONDO:0015356.

Submissions (2):

Labcorp Genetics (formerly Invitae), Labcorp
Classification: Uncertain significance for Hereditary breast ovarian cancer syndrome. Last evaluated: 2023-07-10. Review status: criteria provided, single submitter. Criteria: Invitae Variant Classification Sherloc (09022015). Collection method: clinical testing. Allele origin: germline.
Comment: This sequence change replaces serine, which is neutral and polar, with asparagine, which is neutral and polar, at codon 766 of the BRCA1 protein (p.Ser766Asn). This variant is not present in population databases (gnomAD no frequency). This variant has not been reported in the literature in individuals affected with BRCA1-related conditions. ClinVar contains an entry for this variant (Variation ID: 578520). Advanced modeling of protein sequence and biophysical properties (such as structural, functional, and spatial information, amino acid conservation, physicochemical variation, residue mobility, and thermodynamic stability) performed at Invitae indicates that this missense variant is not expected to disrupt BRCA1 protein function. In summary, the available evidence is currently insufficient to determine the role of this variant in disease. Therefore, it has been classified as a Variant of Uncertain Significance.

University of Washington Department of Laboratory Medicine, University of Washington
Classification: Likely benign for Hereditary cancer-predisposing syndrome. Last evaluated: 2023-03-23. Review status: criteria provided, single submitter. Criteria: Dines et al. (Genet Med. 2020). Collection method: curation. Allele origin: germline.
Comment: Missense variant in a coldspot region where missense variants are very unlikely to be pathogenic (PMID:31911673).

BRCA1 coldspot (exon 11 using historical exon numbering). Reclassification based on statistical prior probability

NM_007294.4(BRCA1):c.2297G>A (p.Ser766Asn)

Gene: BRCA1 (BRCA1 DNA repair associated; minus strand). Cytogenetic location: 17q21.31.
Variant type: single nucleotide variant.
Coding change: c.2297G>A on transcript NM_007294.4 (MANE Select); coding-DNA position 2297, G replaced by A.
Protein change: p.Ser766Asn; replaces serine 766 with asparagine.
Molecular consequence: missense variant. On other transcripts: intron variant (137).
Genome position (GRCh38, 1-based): chr17:43,093,234, C>T on the plus strand (G>A on the coding strand, the complement: BRCA1 is on the minus strand). VCF-style: chr17-43093234-C-T. GRCh37 (hg19) VCF-style: chr17-41245251-C-T.
Other names: c.1964G>A, p.Ser655Asn (NM_001407947.1, NM_001407948.1, NM_001407949.1 and 6 more transcripts); c.1961G>A, p.Ser654Asn (NM_001407954.1, NM_001407955.1, NM_001407956.1 and 1 more transcripts); c.2294G>A, p.Ser765Asn (NM_001407591.1, NM_001407610.1, NM_001407611.1 and 22 more transcripts); c.2297G>A, p.Ser766Asn (NM_001407593.1, NM_001407594.1, NM_001407596.1 and 30 more transcripts); c.2288G>A, p.Ser763Asn (NM_001407646.1, NM_001407647.1); c.2174G>A, p.Ser725Asn (NM_001407648.1, NM_001407664.1, NM_001407665.1 and 19 more transcripts); c.2171G>A, p.Ser724Asn (NM_001407649.1, NM_001407670.1, NM_001407671.1 and 11 more transcripts); c.2219G>A, p.Ser740Asn (NM_001407653.1, NM_001407654.1, NM_001407655.1 and 4 more transcripts); and 41 more; short protein forms S766N, S719N, S639N, S678N, S695N, S698N, S739N, S470N.
Identifiers: ClinVar variation 578520 (VCV000578520.12), dbSNP rs1567796224, ClinGen allele CA10597408.
Genomic context (GRCh38, chr17:43,093,234, plus strand): 5'-AGTAACGAGATACTTTCCTGAGTGCCATAATCAGTACCAGGTACCAATGAAATACTGCTA[C>T]TCTCTACAGATCTTTCAGTTTGCAAAACCCTTTCTCCACTTAACATGAGATCTTTGGGGT-3'
Protein context (NP_009225.1, residues 756-776): RVLQTERSVE[Ser766Asn]SSISLVPGTD